The following is an entry in ClinVar:

ClinVar aggregate classification (germline): Uncertain significance (1 of 4 stars; one submission).

Conditions:
Smith-Magenis syndrome (SMS). Also called: CHROMOSOME 17p11.2 DELETION SYNDROME. Identifiers: Orphanet 819, MedGen C0795864, MONDO:0008434, OMIM 182290.

gnomAD v4.1: 1 of 1,613,198 alleles (0.000062%); highest among the groups gnomAD compares: East Asian, 0.0022%; no homozygotes.

Submission:

Centre for Mendelian Genomics, University Medical Centre Ljubljana
Classification: Uncertain significance for Smith-Magenis syndrome. Last evaluated: 2020-01-27. Review status: criteria provided, single submitter. Criteria: ACMG Guidelines, 2015. Collection method: clinical testing. Allele origin: unknown. Affected: yes.
Comment: This variant was classified as: Uncertain significance. The available evidence on this variant's pathogenicity is insufficient or conflicting. The following ACMG criteria were applied in classifying this variant: PM2,BP1.

NM_030665.4(RAI1):c.1888C>G (p.Pro630Ala)

Gene: RAI1 (retinoic acid induced 1; plus strand). Cytogenetic location: 17p11.2.
Variant type: single nucleotide variant.
Coding change: c.1888C>G on transcript NM_030665.4 (MANE Select); coding-DNA position 1888, C replaced by G.
Protein change: p.Pro630Ala; replaces proline 630 with alanine.
Molecular consequence: missense variant.
Genome position (GRCh38, 1-based): chr17:17,794,836, C>G. VCF-style: chr17-17794836-C-G. GRCh37 (hg19) VCF-style: chr17-17698150-C-G.
Other names: short protein forms P630A.
Identifiers: ClinVar variation 930911 (VCV000930911.3), dbSNP rs1184373480, ClinGen allele CA398549408.
Genomic context (GRCh38, chr17:17,794,836, plus strand): 5'-GAGATCCTGGGGCTGCAGGAAGCCATCGGTGAGAAGGCCGACAAAGCTTGGGCTGAAGCA[C>G]CCAGCCTGGTCAAGGACAGCAGCAAGCCACCCTTCTCGCTGGAGAACCACAGCGCCTGCC-3'
Protein context (NP_109590.3, residues 620-640): EKADKAWAEA[Pro630Ala]SLVKDSSKPP